The following is an entry in ClinVar:

NM_001008537.3(NEXMIF):c.2528G>A (p.Gly843Asp)

Gene: NEXMIF (neurite extension and migration factor; minus strand). Cytogenetic location: Xq13.3.
Variant type: single nucleotide variant.
Coding change: c.2528G>A on transcript NM_001008537.3 (MANE Select); coding-DNA position 2528, G replaced by A.
Protein change: p.Gly843Asp; replaces glycine 843 with aspartic acid.
Molecular consequence: missense variant.
Genome position (GRCh38, 1-based): chrX:74,742,029, C>T on the plus strand (G>A on the coding strand, the complement: NEXMIF is on the minus strand). VCF-style: chrX-74742029-C-T. GRCh37 (hg19) VCF-style: chrX-73961864-C-T.
Other names: short protein forms G843D.
Identifiers: ClinVar variation 1004947 (VCV001004947.8), dbSNP rs2080106653, ClinGen allele CA413668017.
Genomic context (GRCh38, chrX:74,742,029, plus strand): 5'-AGCACACAGTCCTGGGTAGGCTGGAGGGGTACAAATGATTTTTCGGTTTGAGTGAGGCTG[C>T]CTTCATTTTGCTCTGGAGAATGGTGGCTGAAGTATGAGATACTAGTGTTATTTGACAAGT-3'
Protein context (NP_001008537.1, residues 833-853): FSHHSPEQNE[Gly843Asp]SLTQTEKSFV

ClinVar aggregate classification (germline): Uncertain significance (1 of 4 stars; one submission).

Allele frequency attached by ClinVar (database versions not stated): gnomAD exomes below 0.00001.
gnomAD v4.1: 2 of 1,211,742 alleles (0.00017%); highest among the groups gnomAD compares: Non-Finnish European, 0.00022%; no homozygotes.

Submission:

Labcorp Genetics (formerly Invitae), Labcorp
Classification: Uncertain significance. Last evaluated: 2023-06-19. Review status: criteria provided, single submitter. Criteria: Invitae Variant Classification Sherloc (09022015). Collection method: clinical testing. Allele origin: germline.
Comment: This variant has not been reported in the literature in individuals affected with KIAA2022-related conditions. This variant is not present in population databases (gnomAD no frequency). This sequence change replaces glycine, which is neutral and non-polar, with aspartic acid, which is acidic and polar, at codon 843 of the KIAA2022 protein (p.Gly843Asp). ClinVar contains an entry for this variant (Variation ID: 1004947). In summary, the available evidence is currently insufficient to determine the role of this variant in disease. Therefore, it has been classified as a Variant of Uncertain Significance. Algorithms developed to predict the effect of missense changes on protein structure and function output the following: SIFT: "Not Available"; PolyPhen-2: "Benign"; Align-GVGD: "Not Available". The aspartic acid amino acid residue is found in multiple mammalian species, which suggests that this missense change does not adversely affect protein function.